The following is an entry in ClinVar:

ClinVar aggregate classification (germline): Uncertain significance (1 of 4 stars; one submission).

Allele frequency attached by ClinVar (database versions not stated): gnomAD exomes below 0.00001.
gnomAD v4.1: 2 of 1,613,700 alleles (0.00012%); highest among the groups gnomAD compares: Admixed American, 0.0017%; no homozygotes.

Submission:

Labcorp Genetics (formerly Invitae), Labcorp
Classification: Uncertain significance. Last evaluated: 2023-06-19. Review status: criteria provided, single submitter. Criteria: Invitae Variant Classification Sherloc (09022015). Collection method: clinical testing. Allele origin: germline.
Comment: In summary, the available evidence is currently insufficient to determine the role of this variant in disease. Therefore, it has been classified as a Variant of Uncertain Significance. An algorithm developed to predict the effect of missense changes on protein structure and function (PolyPhen-2) suggests that this variant is likely to be disruptive. ClinVar contains an entry for this variant (Variation ID: 1369775). This variant has not been reported in the literature in individuals affected with TUBGCP6-related conditions. This variant is not present in population databases (gnomAD no frequency). This sequence change replaces glycine, which is neutral and non-polar, with valine, which is neutral and non-polar, at codon 301 of the TUBGCP6 protein (p.Gly301Val).

NM_020461.4(TUBGCP6):c.902G>T (p.Gly301Val)

Gene: TUBGCP6 (tubulin gamma complex component 6; minus strand). Cytogenetic location: 22q13.33.
Variant type: single nucleotide variant.
Coding change: c.902G>T on transcript NM_020461.4 (MANE Select); coding-DNA position 902, G replaced by T.
Protein change: p.Gly301Val; replaces glycine 301 with valine.
Molecular consequence: missense variant.
Genome position (GRCh38, 1-based): chr22:50,240,207, C>A on the plus strand (G>T on the coding strand, the complement: TUBGCP6 is on the minus strand). VCF-style: chr22-50240207-C-A. GRCh37 (hg19) VCF-style: chr22-50678636-C-A.
Other names: short protein forms G301V.
Identifiers: ClinVar variation 1369775 (VCV001369775.4), dbSNP rs2147213616, ClinGen allele CA412111869.